The following is an entry in ClinVar:

NM_020117.11(LARS1):c.2539C>G (p.Leu847Val)

Gene: LARS1 (leucyl-tRNA synthetase 1; minus strand). Cytogenetic location: 5q32.
Variant type: single nucleotide variant.
Coding change: c.2539C>G on transcript NM_020117.11 (MANE Select); coding-DNA position 2539, C replaced by G.
Protein change: p.Leu847Val; replaces leucine 847 with valine.
Molecular consequence: missense variant.
Genome position (GRCh38, 1-based): chr5:146,130,107, G>C on the plus strand (C>G on the coding strand, the complement: LARS1 is on the minus strand). VCF-style: chr5-146130107-G-C. GRCh37 (hg19) VCF-style: chr5-145509670-G-C.
Other names: p.L847V:CTT>GTT; c.2401C>G, p.Leu801Val (NM_001317964.2); c.2377C>G, p.Leu793Val (NM_001317965.2); c.2458C>G, p.Leu820Val (NM_016460.4); short protein forms L847V, L801V, L820V, L793V.
Identifiers: ClinVar variation 214576 (VCV000214576.9), dbSNP rs187036851, ClinGen allele CA323165.

ClinVar aggregate classification (germline): Uncertain significance. Review status: criteria provided, multiple submitters, no conflicts (2 of 4 stars). 3 submissions from 3 submitters: Uncertain significance (3). Last evaluated 2025-08-01.

Allele frequency attached by ClinVar (database versions not stated): ESP Exome Variant Server 0.00008; TOPMed 0.00011; gnomAD 0.00012; 1000 Genomes Project 30x 0.00016; 1000 Genomes Project 0.00020; ExAC 0.00020; gnomAD exomes 0.00020.
gnomAD v4.1: 168 of 1,613,860 alleles (0.01%); highest among the groups gnomAD compares: Middle Eastern, 0.049%; no homozygotes.

Submissions (3):

Ambry Genetics
Classification: Uncertain significance. Last evaluated: 2025-08-01. Review status: criteria provided, single submitter. Criteria: Ambry Variant Classification Scheme 2023. Collection method: clinical testing. Allele origin: germline.

GeneDx
Classification: Uncertain significance. Last evaluated: 2024-04-10. Review status: criteria provided, single submitter. Criteria: GeneDx Variant Classification Process June 2021. Collection method: clinical testing. Allele origin: germline. Affected: yes.
Comment: In silico analysis supports that this missense variant has a deleterious effect on protein structure/function; Has not been previously published as pathogenic or benign to our knowledge

Labcorp Genetics (formerly Invitae), Labcorp
Classification: Uncertain significance. Last evaluated: 2024-01-02. Review status: criteria provided, single submitter. Criteria: Invitae Variant Classification Sherloc (09022015). Collection method: clinical testing. Allele origin: germline.
Comment: This sequence change replaces leucine, which is neutral and non-polar, with valine, which is neutral and non-polar, at codon 847 of the LARS protein (p.Leu847Val). This variant is present in population databases (rs187036851, gnomAD 0.03%). This variant has not been reported in the literature in individuals affected with LARS-related conditions. ClinVar contains an entry for this variant (Variation ID: 214576). Advanced modeling of protein sequence and biophysical properties (such as structural, functional, and spatial information, amino acid conservation, physicochemical variation, residue mobility, and thermodynamic stability) performed at Invitae indicates that this missense variant is not expected to disrupt LARS protein function with a negative predictive value of 80%. In summary, the available evidence is currently insufficient to determine the role of this variant in disease. Therefore, it has been classified as a Variant of Uncertain Significance.